The following is an entry in ClinVar:

ClinVar aggregate classification (germline): Uncertain significance (1 of 4 stars; one submission).

Conditions:
Gastrointestinal stromal tumor. Also called: Gastrointestinal stromal tumor, somatic; Gastrointestinal stroma tumor. Identifiers: Orphanet 44890, MedGen C0238198, MeSH D046152, MONDO:0011719, OMIM 606764, HP:0100723.
Pheochromocytoma/paraganglioma syndrome 3. Also called: GLOMUS TUMORS, FAMILIAL, 3; Paragangliomas 3; SDHC-Related Hereditary Paraganglioma-Pheochromocytoma Syndrome (Paragangliomas 3); SDHC-Related Hereditary Paraganglioma-Pheochromocytoma Syndrome. Identifiers: Orphanet 29072, MedGen C1854336, MONDO:0011544, OMIM 605373.

Submission:

Labcorp Genetics (formerly Invitae), Labcorp
Classification: Uncertain significance for Pheochromocytoma/paraganglioma syndrome 3; Gastrointestinal stromal tumor. Last evaluated: 2023-05-22. Review status: criteria provided, single submitter. Criteria: Invitae Variant Classification Sherloc (09022015). Collection method: clinical testing. Allele origin: germline.
Comment: This sequence change replaces glutamic acid, which is acidic and polar, with lysine, which is basic and polar, at codon 36 of the SDHC protein (p.Glu36Lys). In summary, the available evidence is currently insufficient to determine the role of this variant in disease. Therefore, it has been classified as a Variant of Uncertain Significance. Advanced modeling of protein sequence and biophysical properties (such as structural, functional, and spatial information, amino acid conservation, physicochemical variation, residue mobility, and thermodynamic stability) performed at Invitae indicates that this missense variant is expected to disrupt SDHC protein function. This variant has not been reported in the literature in individuals affected with SDHC-related conditions. This variant is not present in population databases (gnomAD no frequency).

NM_003001.5(SDHC):c.106G>A (p.Glu36Lys)

Gene: SDHC (succinate dehydrogenase complex subunit C; plus strand). Cytogenetic location: 1q23.3.
Variant type: single nucleotide variant.
Coding change: c.106G>A on transcript NM_003001.5 (MANE Select); coding-DNA position 106, G replaced by A.
Protein change: p.Glu36Lys; replaces glutamic acid 36 with lysine.
Molecular consequence: missense variant. On other transcripts: intron variant (4), 5 prime UTR variant (2), non-coding transcript variant (1).
Genome position (GRCh38, 1-based): chr1:161,328,424, G>A. VCF-style: chr1-161328424-G-A. GRCh37 (hg19) VCF-style: chr1-161298214-G-A.
Other names: c.21-12170G>A (NM_001035513.3); c.106G>A, p.Glu36Lys (NM_001035511.3, NM_001407115.1); c.49G>A, p.Glu17Lys (NM_001407116.1, NM_001407117.1, NM_001407121.1); c.-6G>A (NM_001407119.1, NM_001407120.1); c.77+4754G>A (NM_001035512.3, NM_001278172.3, NM_001407118.1); short protein forms E17K, E36K.
Identifiers: ClinVar variation 2948110 (VCV002948110.3), dbSNP rs2526364346, ClinGen allele CA343360966.